The following is an entry in ClinVar:

ClinVar aggregate classification (germline): Pathogenic (1 of 4 stars; one submission).

Conditions:
Duchenne muscular dystrophy (DMD). Also called: Duchenne Muscular Dystrophy (DMD); MUSCULAR DYSTROPHY, PSEUDOHYPERTROPHIC PROGRESSIVE, DUCHENNE TYPE. Identifiers: Orphanet 98896, MedGen C0013264, MONDO:0010679, OMIM 310200.

Submission:

Labcorp Genetics (formerly Invitae), Labcorp
Classification: Pathogenic for Duchenne muscular dystrophy. Last evaluated: 2019-12-11. Review status: criteria provided, single submitter. Criteria: Invitae Variant Classification Sherloc (09022015). Collection method: clinical testing. Allele origin: germline.
Comment: This variant is a gross duplication of the genomic region encompassing exon 12 of the DMD gene. While the exact position of the duplicated exon cannot be determined from this data, the duplicated copy of this region is likely in tandem and may result in an absent or disrupted protein product. Duplication of exon 12 has been reported in individuals affected with DMD-related muscular dystrophy (PMID: 12111668, 16917894). Sub-genic duplications are generally in tandem (PMID: 25640679), and result in an absent or disrupted protein. Loss-of-function variants in DMD are known to be pathogenic (PMID: 16770791, 25007885). For these reasons, this variant has been classified as Pathogenic.

Literature cited by the submitters: PubMed 16917894; PubMed 12111668.

NC_000023.11:g.(?_32614293)_(32614463_?)dup

Gene: DMD (dystrophin; minus strand). Cytogenetic location: Xp21.1.
Variant type: Duplication.
Identifiers: ClinVar variation 831388 (VCV000831388.1).